The following is an entry in ClinVar:

NM_000937.5(POLR2A):c.628C>T (p.Gln210Ter)

Gene: POLR2A (RNA polymerase II subunit A; plus strand). Cytogenetic location: 17p13.1.
Variant type: single nucleotide variant.
Coding change: c.628C>T on transcript NM_000937.5 (MANE Select); coding-DNA position 628, C replaced by T.
Protein change: p.Gln210Ter; replaces glutamine 210 with a stop codon.
Molecular consequence: nonsense.
Genome position (GRCh38, 1-based): chr17:7,496,854, C>T. VCF-style: chr17-7496854-C-T. GRCh37 (hg19) VCF-style: chr17-7400173-C-T.
Other names: c.628C>T (NM_000937.4); short protein forms Q210*.
Identifiers: ClinVar variation 2432824 (VCV002432824.4), dbSNP rs1376707591, ClinGen allele CA397862130.

ClinVar aggregate classification (germline): Conflicting classifications of pathogenicity. Review status: criteria provided, conflicting classifications (1 of 4 stars). 2 submissions from 2 submitters: Likely pathogenic (1); Uncertain significance (1). Last evaluated 2024-02-21.

Conditions:
Neurodevelopmental disorder with hypotonia and variable intellectual and behavioral abnormalities. Identifiers: MedGen C5231423, MONDO:0032829, OMIM 618603.

Submissions (2):

GeneDx
Classification: Uncertain significance. Last evaluated: 2024-02-21. Review status: criteria provided, single submitter. Criteria: GeneDx Variant Classification Process June 2021. Collection method: clinical testing. Allele origin: germline. Affected: yes.
Comment: Not observed at significant frequency in large population cohorts (gnomAD); Nonsense variant predicted to result in protein truncation or nonsense mediated decay in a gene or region of a gene for which loss of function is not a well-established mechanism of disease; Has not been previously published as pathogenic or benign to our knowledge

Revvity Omics, Revvity
Classification: Likely pathogenic for Neurodevelopmental disorder with hypotonia and variable intellectual and behavioral abnormalities. Last evaluated: 2022-02-14. Review status: criteria provided, single submitter. Criteria: ACMG Guidelines, 2015. Collection method: clinical testing. Allele origin: germline.